The following is an entry in ClinVar:

NM_021098.3(CACNA1H):c.3905T>G (p.Val1302Gly)

Gene: CACNA1H (calcium voltage-gated channel subunit alpha1 H; plus strand). Cytogenetic location: 16p13.3.
Variant type: single nucleotide variant.
Coding change: c.3905T>G on transcript NM_021098.3 (MANE Select); coding-DNA position 3905, T replaced by G.
Protein change: p.Val1302Gly; replaces valine 1302 with glycine.
Molecular consequence: missense variant.
Genome position (GRCh38, 1-based): chr16:1,210,429, T>G. VCF-style: chr16-1210429-T-G. GRCh37 (hg19) VCF-style: chr16-1260429-T-G.
Other names: c.3905T>G, p.Val1302Gly (NM_001005407.2); short protein forms V1302G.
Identifiers: ClinVar variation 4538076 (VCV004538076.1).

ClinVar aggregate classification (germline): Uncertain significance (1 of 4 stars; one submission).

Submission:

GeneDx
Classification: Uncertain significance. Last evaluated: 2025-06-11. Review status: criteria provided, single submitter. Criteria: GeneDx Variant Classification Process June 2021. Collection method: clinical testing. Allele origin: germline. Affected: yes.
Comment: Not observed at significant frequency in large population cohorts (gnomAD); In silico analysis supports that this missense variant has a deleterious effect on protein structure/function; Has not been previously published as pathogenic or benign to our knowledge